The following is an entry in ClinVar:

NM_001366385.1(CARD14):c.1829G>A (p.Arg610His)

Gene: CARD14 (caspase recruitment domain family member 14; plus strand). Cytogenetic location: 17q25.3.
Variant type: single nucleotide variant.
Coding change: c.1829G>A on transcript NM_001366385.1 (MANE Select); coding-DNA position 1829, G replaced by A.
Protein change: p.Arg610His; replaces arginine 610 with histidine.
Molecular consequence: missense variant. On other transcripts: non-coding transcript variant (1).
Genome position (GRCh38, 1-based): chr17:80,198,569, G>A. VCF-style: chr17-80198569-G-A. GRCh37 (hg19) VCF-style: chr17-78172368-G-A.
Other names: c.1829G>A, p.Arg610His (NM_024110.4, NM_001257970.1); c.1118G>A, p.Arg373His (NM_052819.3); short protein forms R373H, R610H.
Identifiers: ClinVar variation 791069 (VCV000791069.17), dbSNP rs372001018, ClinGen allele CA8817007.

ClinVar aggregate classification (germline): Conflicting classifications of pathogenicity. Review status: criteria provided, conflicting classifications (1 of 4 stars). 5 submissions from 5 submitters: Uncertain significance (1); Likely benign (4). Last evaluated 2026-06-02.

Conditions:
Psoriasis 2. Identifiers: MedGen C1864497, MONDO:0011269, OMIM 602723.
Pityriasis rubra pilaris (PRP). Also called: Pityriasis rubra pilaris--familial type. Identifiers: Orphanet 2897, MedGen C0032027, MONDO:0100017, OMIM 173200, MONDO:0008251.
CARD14-related disorder. Also called: CARD14-related condition.
Autoinflammatory syndrome. Identifiers: Orphanet 93665, MedGen C3890737, MONDO:0019751.

Allele frequency attached by ClinVar (database versions not stated): gnomAD exomes 0.00005 and 0.00015; ExAC 0.00011; gnomAD 0.00029 and 0.00031; TOPMed 0.00030.
gnomAD v4.1: 180 of 1,612,434 alleles (0.011%); highest among the groups gnomAD compares: East Asian, 0.074%; 1 homozygote.

Submissions (5):

PreventionGenetics, part of Exact Sciences
Classification: Likely benign for CARD14-related condition. Last evaluated: 2026-06-02. Review status: criteria provided, single submitter. Criteria: ACMG Guidelines, 2015. Collection method: clinical testing. Allele origin: germline.
Comment: This variant is classified as likely benign based on ACMG/AMP sequence variant interpretation guidelines (Richards et al. 2015 PMID: 25741868, with internal and published modifications).

Labcorp Genetics (formerly Invitae), Labcorp
Classification: Likely benign for Pityriasis rubra pilaris; Psoriasis 2. Last evaluated: 2026-02-02. Review status: criteria provided, single submitter. Criteria: Invitae Variant Classification Sherloc (09022015). Collection method: clinical testing. Allele origin: germline.

Women's Health and Genetics/Laboratory Corporation of America, LabCorp
Classification: Likely benign. Last evaluated: 2026-01-30. Review status: criteria provided, single submitter. Criteria: LabCorp Variant Classification Summary - May 2015. Collection method: clinical testing. Allele origin: germline.
Comment: Variant summary: CARD14 c.1829G>A (p.Arg610His) results in a non-conservative amino acid change in the encoded protein sequence. Algorithms developed to predict the effect of missense changes on protein structure and function are either unavailable or do not agree on the potential impact of this missense change. The variant allele was found at a frequency of 0.00015 in 247780 control chromosomes. The observed variant frequency exceeds the estimated maximal expected allele frequency for disease-causing variants in CARD14. To our knowledge, no occurrence of c.1829G>A in individuals affected with CARD14-related conditions and no experimental evidence demonstrating its impact on protein function have been reported. ClinVar contains an entry for this variant (Variation ID: 791069). Based on the evidence outlined above, the variant was classified as likely benign.

Blueprint Genetics
Classification: Likely benign. Last evaluated: 2024-10-23. Review status: criteria provided, single submitter. Criteria: ACMG Guidelines, 2015. Collection method: clinical testing. Allele origin: germline.

Genome Diagnostics Laboratory, The Hospital for Sick Children
Classification: Uncertain significance for Autoinflammatory syndrome. Last evaluated: 2021-11-25. Review status: criteria provided, single submitter. Criteria: ACMG Guidelines, 2015. Collection method: clinical testing. Allele origin: germline. Affected: yes.